The following is an entry in ClinVar:

NM_000539.3(RHO):c.328T>C (p.Cys110Arg)

Gene: RHO (rhodopsin; plus strand). Cytogenetic location: 3q22.1.
Variant type: single nucleotide variant.
Coding change: c.328T>C on transcript NM_000539.3 (MANE Select); coding-DNA position 328, T replaced by C.
Protein change: p.Cys110Arg; replaces cysteine 110 with arginine.
Molecular consequence: missense variant.
Genome position (GRCh38, 1-based): chr3:129,529,061, T>C. VCF-style: chr3-129529061-T-C. GRCh37 (hg19) VCF-style: chr3-129247904-T-C.
Other names: NP_000530.1:p.(Cys110Arg); short protein forms C110R.
Identifiers: ClinVar variation 867081 (VCV000867081.16), dbSNP rs1578278438, ClinGen allele CA354496911.

ClinVar aggregate classification (germline): Pathogenic/Likely pathogenic. Review status: criteria provided, multiple submitters, no conflicts (2 of 4 stars). 7 submissions from 7 submitters: Pathogenic (5); Likely pathogenic (1). 1 of the submissions does not count toward it. Last evaluated 2026-07-06.

Conditions:
RHO-related disorder. Also called: RHO-related condition.
Congenital stationary night blindness autosomal dominant 1. Also called: NIGHT BLINDNESS, CONGENITAL STATIONARY, RHODOPSIN-RELATED. Identifiers: Orphanet 215, MedGen C1864869, MONDO:0012498, OMIM 610445.
Retinitis pigmentosa 4 (RP4). Also called: RETINITIS PIGMENTOSA, RHODOPSIN-RELATED. Identifiers: Orphanet 791, MedGen C3151001, MONDO:0013395, OMIM 613731.
Retinal disorder. Also called: Retinopathy; Retinal disorders; Retinopathies; Retinal Diseases. Identifiers: MedGen C0035309, MONDO:0005283, HP:0000488.
Retinitis pigmentosa (RP). Identifiers: Orphanet 791, MedGen C0035334, MeSH D012174, MONDO:0019200, OMIM 268000. Inheritance: Autosomal dominant, autosomal recessive and X linked inheritance.

Allele frequency attached by ClinVar (database versions not stated): gnomAD exomes below 0.00001.
gnomAD v4.1: 2 of 1,613,484 alleles (0.00012%); highest among the groups gnomAD compares: Non-Finnish European, 0.00017%; no homozygotes.

Submissions (7):

Genetics Laboratory, Great Ormond Street Hospital NHS Foundation Trust, North Thames Genomic Laboratory Hub
Classification: Likely pathogenic for Retinal disorders. Last evaluated: 2026-07-06. Review status: criteria provided, single submitter. Criteria: ACGS Best Practice Guidelines for Variant Classification in Rare Disease 2024 v1.2. Collection method: clinical testing. Allele origin: germline. Affected: yes.
Comment: PS4_moderate, PM2_moderate, PP3_supporting, PM5_moderate, PS3_supporting

3billion
Classification: Pathogenic for Retinitis pigmentosa 4. Last evaluated: 2025-08-20. Review status: criteria provided, single submitter. Criteria: ACMG Guidelines, 2015. Collection method: clinical testing. Allele origin: germline. Affected: yes.
Comment: The variant is observed at an extremely low frequency in the gnomAD v4.1.0 dataset (total allele frequency: <0.001%). Predicted Consequence/Location: Missense variant. Missense changes are a common disease-causing mechanism. In silico tool predictions suggest damaging effect of the variant on gene or gene product [REVEL: 0.86 (>=0.6, sensitivity 0.68 and specificity 0.92); 3Cnet: 0.91 (> 0.75, sensitivity 0.96 and precision 0.92)]. The same nucleotide change resulting in the same amino acid change has been previously reported as pathogenic/likely pathogenic with strong evidence (ClinVar ID: VCV000867081 /PMID: 15126168). Different missense changes at the same codon (p.Cys110Gly, p.Cys110Phe, p.Cys110Ser, p.Cys110Trp, p.Cys110Tyr) have been reported as pathogenic/likely pathogenic with strong evidence (ClinVar ID: VCV000013035, VCV000635416, VCV002060137, VCV002628072 /PMID: 25221422, 37217489, 7981701, 8401533). Therefore, this variant is classified as Pathogenic according to the recommendation of ACMG/AMP guideline.

Labcorp Genetics (formerly Invitae), Labcorp
Classification: Pathogenic. Last evaluated: 2024-12-03. Review status: criteria provided, single submitter. Criteria: Invitae Variant Classification Sherloc (09022015). Collection method: clinical testing. Allele origin: germline.
Comment: This sequence change replaces cysteine, which is neutral and slightly polar, with arginine, which is basic and polar, at codon 110 of the RHO protein (p.Cys110Arg). This variant is not present in population databases (gnomAD no frequency). This missense change has been observed in individuals with autosomal dominant retinitis pigmentosa and congenital stationary night blindness (PMID: 15126168, 28341476; internal data). ClinVar contains an entry for this variant (Variation ID: 867081). Invitae Evidence Modeling of protein sequence and biophysical properties (such as structural, functional, and spatial information, amino acid conservation, physicochemical variation, residue mobility, and thermodynamic stability) indicates that this missense variant is expected to disrupt RHO protein function with a positive predictive value of 95%. This variant disrupts the p.Cys110 amino acid residue in RHO. Other variant(s) that disrupt this residue have been determined to be pathogenic (PMID: 8088850, 9810568, 19913029, 30240733). This suggests that this residue is clinically significant, and that variants that disrupt this residue are likely to be disease-causing. For these reasons, this variant has been classified as Pathogenic.

Blueprint Genetics
Classification: Pathogenic for RHO-related disorders. Last evaluated: 2024-06-18. Review status: criteria provided, single submitter. Criteria: ACMG Guidelines, 2015. Collection method: clinical testing. Allele origin: germline. Affected: yes. Observed: 5 variant alleles.

Ophthalmic Genetics Group, Institute of Molecular and Clinical Ophthalmology Basel
Classification: Pathogenic for Retinitis pigmentosa. Last evaluated: 2023-07-24. Review status: criteria provided, single submitter. Criteria: ACMG Guidelines, 2015. Collection method: research. Allele origin: germline. Affected: yes. Observed: 3 variant alleles.
Comment: Clinical significance based on ACMG v2.0

This variant was classified as Pathogenic based on ACMG criteria: PP5, PM2, PM5, PM1, PP3, PP2.

Centre for Genomic Medicine, Manchester, Central Manchester University Hospitals
Classification: Pathogenic for Retinitis pigmentosa 4. Last evaluated: 2020-09-01. Review status: criteria provided, single submitter. Criteria: ACMG Guidelines, 2015. Collection method: clinical testing. Allele origin: germline. Affected: yes. Observed: 7 heterozygotes.

Genomics England Pilot Project, Genomics England
Classification: Likely pathogenic for Congenital stationary night blindness autosomal dominant 1. Review status: no assertion criteria provided. Criteria: ACGS Guidelines, 2016. Collection method: clinical testing. Allele origin: germline. Affected: yes. Not counted in ClinVar's aggregate classification.

Literature cited by the submitters: PubMed 15126168 (cited by 3billion and Labcorp Genetics (formerly Invitae), Labcorp); PubMed 25221422 (cited by 3billion); PubMed 28341476 (cited by Labcorp Genetics (formerly Invitae), Labcorp); PubMed 8088850 (cited by Labcorp Genetics (formerly Invitae), Labcorp); PubMed 9810568 (cited by Labcorp Genetics (formerly Invitae), Labcorp); PubMed 19913029 (cited by Labcorp Genetics (formerly Invitae), Labcorp); PubMed 30240733 (cited by Labcorp Genetics (formerly Invitae), Labcorp); PubMed 36909829 (cited by Ophthalmic Genetics Group, Institute of Molecular and Clinical Ophthalmology Basel).